The following is an entry in ClinVar:

NM_001197104.2(KMT2A):c.2629_2630dup (p.Asp877fs)

Gene: KMT2A (lysine methyltransferase 2A; plus strand). Cytogenetic location: 11q23.3.
Variant type: Microsatellite.
Coding change: c.2629_2630dup on transcript NM_001197104.2 (MANE Select); coding-DNA positions 2629 to 2630, 2 bases duplicated (GA; older notation c.2629_2630dupGA).
Protein change: p.Asp877fs; shifts the reading frame from aspartic acid 877.
Molecular consequence: frameshift variant.
Genome position (GRCh38, 1-based): chr11:118,473,788-118,473,789, GA duplicated; duplicating any 2 consecutive bases within chr11:118,473,779-118,473,789 gives the same sequence; the c. name uses the placement nearest the transcript's 3' end. VCF-style (leftmost placement, unchanged base first): chr11-118473778-T-TAG. GRCh37 (hg19) VCF-style: chr11-118344493-T-TAG.
Other names: c.2629_2630dup, p.Asp877fs (NM_005933.4); short protein forms D877fs.
Identifiers: ClinVar variation 1182117 (VCV001182117.2), dbSNP rs782311054, ClinGen allele CA2574995229.

ClinVar aggregate classification (germline): Pathogenic (1 of 4 stars; one submission).

Submission:

GeneDx
Classification: Pathogenic. Last evaluated: 2019-05-10. Review status: criteria provided, single submitter. Criteria: GeneDx Variant Classification Process June 2021. Collection method: clinical testing. Allele origin: germline. Affected: yes.
Comment: Frameshift variant predicted to result in protein truncation or nonsense mediated decay in a gene for which loss-of-function is a known mechanism of disease; Not observed in large population cohorts (Lek et al., 2016); Has not been previously published as pathogenic or benign to our knowledge